The following is an entry in ClinVar:

ClinVar aggregate classification (germline): Uncertain significance. Review status: criteria provided, multiple submitters, no conflicts (2 of 4 stars). 2 submissions from 2 submitters: Uncertain significance (2). Last evaluated 2024-01-31.

gnomAD v4.1: 3 of 1,612,876 alleles (0.00019%); highest among the groups gnomAD compares: Admixed American, 0.0033%; no homozygotes.

Submissions (2):

Ambry Genetics
Classification: Uncertain significance. Last evaluated: 2024-01-31. Review status: criteria provided, single submitter. Criteria: Ambry Variant Classification Scheme 2023. Collection method: clinical testing. Allele origin: germline.

Labcorp Genetics (formerly Invitae), Labcorp
Classification: Uncertain significance. Last evaluated: 2022-05-18. Review status: criteria provided, single submitter. Criteria: Invitae Variant Classification Sherloc (09022015). Collection method: clinical testing. Allele origin: germline.
Comment: This sequence change replaces lysine, which is basic and polar, with asparagine, which is neutral and polar, at codon 29 of the TOP2B protein (p.Lys29Asn). This variant is present in population databases (no rsID available, gnomAD 0.003%). This variant has not been reported in the literature in individuals affected with TOP2B-related conditions. Algorithms developed to predict the effect of missense changes on protein structure and function (SIFT, PolyPhen-2, Align-GVGD) all suggest that this variant is likely to be tolerated. In summary, the available evidence is currently insufficient to determine the role of this variant in disease. Therefore, it has been classified as a Variant of Uncertain Significance.

NM_001330700.2(TOP2B):c.102A>T (p.Lys34Asn)

Gene: TOP2B (DNA topoisomerase II beta; minus strand). Cytogenetic location: 3p24.2.
Variant type: single nucleotide variant.
Coding change: c.102A>T on transcript NM_001330700.2 (MANE Select); coding-DNA position 102, A replaced by T.
Protein change: p.Lys34Asn; replaces lysine 34 with asparagine.
Molecular consequence: missense variant.
Genome position (GRCh38, 1-based): chr3:25,645,438, T>A on the plus strand (A>T on the coding strand, the complement: TOP2B is on the minus strand). VCF-style: chr3-25645438-T-A. GRCh37 (hg19) VCF-style: chr3-25686929-T-A.
Other names: c.87A>T, p.Lys29Asn (NM_001068.3); c.87A>T (NM_001068.2); short protein forms K29N, K34N.
Identifiers: ClinVar variation 1969837 (VCV001969837.6), dbSNP rs772611515, ClinGen allele CA351915044.